The following is an entry in ClinVar:

ClinVar aggregate classification (germline): Benign/Likely benign. Review status: criteria provided, multiple submitters, no conflicts (2 of 4 stars). 6 submissions from 6 submitters: Benign (2); Likely benign (3). 1 of the submissions does not count toward it. Last evaluated 2025-12-15.

Conditions:
SYNE2-related disorder. Also called: SYNE2-related condition.
Emery-Dreifuss muscular dystrophy 5, autosomal dominant (EDMD5). Also called: EMERY-DREIFUSS MUSCULAR DYSTROPHY 5. Identifiers: Orphanet 261, MedGen C2751805, MONDO:0013072, OMIM 612999.

Allele frequency attached by ClinVar (database versions not stated): gnomAD exomes 0.00021 and 0.00062; ExAC 0.00068; 1000 Genomes Project 0.00180; 1000 Genomes Project 30x 0.00187; gnomAD 0.00208 and 0.00225; TOPMed 0.00235; ESP Exome Variant Server 0.00246.
gnomAD v4.1: 633 of 1,614,140 alleles (0.039%); highest among the groups gnomAD compares: African/African-American, 0.75%; 3 homozygotes.

Submissions (6):

Labcorp Genetics (formerly Invitae), Labcorp
Classification: Benign for Emery-Dreifuss muscular dystrophy 5, autosomal dominant. Last evaluated: 2025-12-15. Review status: criteria provided, single submitter. Criteria: Invitae Variant Classification Sherloc (09022015). Collection method: clinical testing. Allele origin: germline.

Blueprint Genetics
Classification: Likely benign. Last evaluated: 2024-09-23. Review status: criteria provided, single submitter. Criteria: ACMG Guidelines, 2015. Collection method: clinical testing. Allele origin: germline.

Illumina Laboratory Services, Illumina
Classification: Benign for Emery-Dreifuss muscular dystrophy 5, autosomal dominant. Last evaluated: 2018-01-13. Review status: criteria provided, single submitter. Criteria: ICSL Variant Classification Criteria 13 December 2019. Collection method: clinical testing. Allele origin: germline.
Comment: This variant was observed in the ICSL laboratory as part of a predisposition screen in an ostensibly healthy population. It had not been previously curated by ICSL or reported in the Human Gene Mutation Database (HGMD: prior to June 1st, 2018), and was therefore a candidate for classification through an automated scoring system. Utilizing variant allele frequency, disease prevalence and penetrance estimates, and inheritance mode, an automated score was calculated to assess if this variant is too frequent to cause the disease. Based on the score and internal cut-off values, a variant classified as benign is not then subjected to further curation. The score for this variant resulted in a classification of benign for this disease.

Eurofins Ntd Llc (ga)
Classification: Likely benign. Last evaluated: 2015-07-17. Review status: criteria provided, single submitter. Criteria: EGL Classification Definitions 2015. Collection method: clinical testing. Allele origin: germline. Observed: 1 variant allele, 1 heterozygote.

Breakthrough Genomics
Classification: Likely benign. Review status: criteria provided, single submitter. Criteria: ACMG Guidelines, 2015. Collection method: not provided. Allele origin: germline. Inheritance: Autosomal dominant inheritance. Affected: yes.

PreventionGenetics, part of Exact Sciences
Classification: Benign for SYNE2-related condition. Last evaluated: 2019-06-19. Review status: no assertion criteria provided. Collection method: clinical testing. Allele origin: germline. Not counted in ClinVar's aggregate classification.
Comment: This variant is classified as benign based on ACMG/AMP sequence variant interpretation guidelines (Richards et al. 2015 PMID: 25741868, with internal and published modifications).

NM_182914.3(SYNE2):c.16095-10G>A

Gene: SYNE2 (spectrin repeat containing nuclear envelope protein 2; plus strand). Cytogenetic location: 14q23.2.
Variant type: single nucleotide variant.
Coding change: c.16095-10G>A on transcript NM_182914.3 (MANE Select); 10 bases into the intron before coding-DNA position 16095, G replaced by A.
Molecular consequence: intron variant.
Genome position (GRCh38, 1-based): chr14:64,162,062, G>A. VCF-style: chr14-64162062-G-A. GRCh37 (hg19) VCF-style: chr14-64628780-G-A.
Other names: c.16095-10G>A (NM_015180.6).
Identifiers: ClinVar variation 281824 (VCV000281824.23), dbSNP rs139126909, ClinGen allele CA7223278.